The following is an entry in ClinVar:

NM_000138.5(FBN1):c.6048_6056del (p.Cys2017_Glu2019del)

Gene: FBN1 (fibrillin 1; minus strand). Cytogenetic location: 15q21.1.
Variant type: Deletion.
Coding change: c.6048_6056del on transcript NM_000138.5 (MANE Select); coding-DNA positions 6048 to 6056, 9 bases deleted (GTGTGTCGA; older notation c.6048_6056delGTGTGTCGA).
Protein change: p.Cys2017_Glu2019del.
Molecular consequence: inframe deletion.
Genome position (GRCh38, 1-based): chr15:48,441,828-48,441,836, TCGACACAC deleted on the plus strand (GTGTGTCGA on the coding strand, the reverse complement: FBN1 is on the minus strand); deleting any 9 consecutive bases within chr15:48,441,828-48,441,838 gives the same sequence; the c. name uses the placement nearest the transcript's 3' end. VCF-style (leftmost placement, unchanged base first): chr15-48441827-TTCGACACAC-T. GRCh37 (hg19) VCF-style: chr15-48734024-TTCGACACAC-T.
Other names: c.6048_6056delGTGTGTCGA (NM_000138.4).
Identifiers: ClinVar variation 457239 (VCV000457239.10), dbSNP rs1555395483, ClinGen allele CA658656484.

ClinVar aggregate classification (germline): Pathogenic (1 of 4 stars; one submission).

Conditions:
Marfan syndrome (MFS). Also called: MARFAN SYNDROME, TYPE I; FBN1-Related Marfan Syndrome; Marfan syndrome type 1; Marfan's syndrome; Marfan syndrome, classic. Identifiers: Orphanet 284963, Orphanet 558, MedGen C0024796, MONDO:0007947, OMIM 154700.
Familial thoracic aortic aneurysm and aortic dissection (TAAD). Also called: Thoracic aortic aneurysms and dissections. Identifiers: Orphanet 91387, MedGen C4707243, MONDO:0019625.

Submission:

Labcorp Genetics (formerly Invitae), Labcorp
Classification: Pathogenic for Marfan syndrome; Familial thoracic aortic aneurysm and aortic dissection. Last evaluated: 2020-02-07. Review status: criteria provided, single submitter. Criteria: Invitae Variant Classification Sherloc (09022015). Collection method: clinical testing. Allele origin: germline.
Comment: This variant, c.6048_6056delGTGTGTCGA, results in the deletion of 3 amino acids of the FBN1 protein (p.Cys2017_Glu2019del), but otherwise preserves the integrity of the reading frame. This variant is not present in population databases (ExAC no frequency). ClinVar contains an entry for this variant (Variation ID: 457239). This variant affects a cysteine residue located within an epidermal-growth-factor (EGF)–like domain of the FBN1 protein. Cysteine residues in these domains have been shown to be involved in the formation of disulfide bridges, which are critical for FBN1 protein structure and stability (PMID: 10486319, 3495735, 4750422, 16677079). In addition, missense substitutions within the FBN1 EGF-like domains affecting cysteine residues are significantly overrepresented among patients with Marfan syndrome (PMID: 16571647, 17701892). For these reasons, this variant has been classified as Pathogenic.

Literature cited by the submitters: PubMed 10486319; PubMed 3495735; PubMed 4750422; PubMed 16677079; PubMed 16571647; PubMed 17701892.